The following is an entry in ClinVar:

ClinVar aggregate classification (germline): Pathogenic (1 of 4 stars; one submission).

Submission:

Labcorp Genetics (formerly Invitae), Labcorp
Classification: Pathogenic. Last evaluated: 2019-07-07. Review status: criteria provided, single submitter. Criteria: Invitae Variant Classification Sherloc (09022015). Collection method: clinical testing. Allele origin: germline.
Comment: This sequence change creates a premature translational stop signal (p.Ser108Leufs*11) in the GATAD2B gene. It is expected to result in an absent or disrupted protein product. This variant is not present in population databases (ExAC no frequency). This variant has not been reported in the literature in individuals with GATAD2B-related conditions. Loss-of-function variants in GATAD2B are known to be pathogenic (PMID: 23033978, 25356899, 27159321). For these reasons, this variant has been classified as Pathogenic.

Literature cited by the submitters: PubMed 23033978; PubMed 25356899; PubMed 27159321.

NM_020699.4(GATAD2B):c.322_325del (p.Ser108fs)

Gene: GATAD2B (GATA zinc finger domain containing 2B; minus strand). Cytogenetic location: 1q21.3.
Variant type: Deletion.
Coding change: c.322_325del on transcript NM_020699.4 (MANE Select); coding-DNA positions 322 to 325, 4 bases deleted (AGTG; older notation c.322_325delAGTG).
Protein change: p.Ser108fs; shifts the reading frame from serine 108.
Molecular consequence: frameshift variant.
Genome position (GRCh38, 1-based): chr1:153,828,023-153,828,026, CACT deleted on the plus strand (AGTG on the coding strand, the reverse complement: GATAD2B is on the minus strand); deleting any 4 consecutive bases within chr1:153,828,023-153,828,028 gives the same sequence; the c. name uses the placement nearest the transcript's 3' end. VCF-style (leftmost placement, unchanged base first): chr1-153828022-GCACT-G. GRCh37 (hg19) VCF-style: chr1-153800498-GCACT-G.
Other names: short protein forms S108fs.
Identifiers: ClinVar variation 960786 (VCV000960786.3), dbSNP rs1674943336, ClinGen allele CA1139656325.
Genomic context (GRCh38, chr1:153,828,022, plus strand): 5'-CAGGCTTTATGAGACGACCCTATCCCTGGAGGCAGCTGAACTGAGCCATACCTCCGTCTA[GCACT>G]CATATCCACAGGCTCATCATTGATGTTTTCTTTGCCTGGCCTTCCAGCAGTCCTGTTGTC-3'